The following is an entry in ClinVar:

NM_002291.3(LAMB1):c.3704C>T (p.Ala1235Val)

Gene: LAMB1 (laminin subunit beta 1; minus strand). Cytogenetic location: 7q31.1.
Variant type: single nucleotide variant.
Coding change: c.3704C>T on transcript NM_002291.3 (MANE Select); coding-DNA position 3704, C replaced by T.
Protein change: p.Ala1235Val; replaces alanine 1235 with valine.
Molecular consequence: missense variant.
Genome position (GRCh38, 1-based): chr7:107,940,046, G>A on the plus strand (C>T on the coding strand, the complement: LAMB1 is on the minus strand). VCF-style: chr7-107940046-G-A. GRCh37 (hg19) VCF-style: chr7-107580491-G-A.
Other names: short protein forms A1235V.
Identifiers: ClinVar variation 1921326 (VCV001921326.5), dbSNP rs747848591, ClinGen allele CA4435248.

ClinVar aggregate classification (germline): Uncertain significance (1 of 4 stars; one submission).

Allele frequency attached by ClinVar (database versions not stated): TOPMed below 0.00001; ExAC 0.00001; gnomAD exomes 0.00001; gnomAD 0.00002.
gnomAD v4.1: 14 of 1,613,880 alleles (0.00087%); highest among the groups gnomAD compares: African/African-American, 0.0027%; no homozygotes.

Submission:

Labcorp Genetics (formerly Invitae), Labcorp
Classification: Uncertain significance. Last evaluated: 2023-09-19. Review status: criteria provided, single submitter. Criteria: Invitae Variant Classification Sherloc (09022015). Collection method: clinical testing. Allele origin: germline.
Comment: This sequence change replaces alanine, which is neutral and non-polar, with valine, which is neutral and non-polar, at codon 1235 of the LAMB1 protein (p.Ala1235Val). This variant is present in population databases (rs747848591, gnomAD 0.003%). This variant has not been reported in the literature in individuals affected with LAMB1-related conditions. ClinVar contains an entry for this variant (Variation ID: 1921326). An algorithm developed to predict the effect of missense changes on protein structure and function (PolyPhen-2) suggests that this variant is likely to be tolerated. In summary, the available evidence is currently insufficient to determine the role of this variant in disease. Therefore, it has been classified as a Variant of Uncertain Significance.